The following is an entry in ClinVar:

ClinVar aggregate classification (germline): Uncertain significance (1 of 4 stars; one submission).

Conditions:
Inborn genetic diseases. Identifiers: MedGen C0950123, MeSH D030342.

Allele frequency attached by ClinVar (database versions not stated): gnomAD exomes below 0.00001.

Submission:

Ambry Genetics
Classification: Uncertain significance for Inborn genetic diseases. Last evaluated: 2023-07-26. Review status: criteria provided, single submitter. Criteria: Ambry Variant Classification Scheme 2023. Collection method: clinical testing. Allele origin: germline.
Comment: The p.M1364I variant (also known as c.4092G>A), located in coding exon 29 of the LRRK2 gene, results from a G to A substitution at nucleotide position 4092. The methionine at codon 1364 is replaced by isoleucine, an amino acid with highly similar properties. This amino acid position is conserved. In addition, this alteration is predicted to be tolerated by in silico analysis. Since supporting evidence is limited at this time, the clinical significance of this alteration remains unclear.

NM_198578.4(LRRK2):c.4092G>A (p.Met1364Ile)

Gene: LRRK2 (leucine rich repeat kinase 2; plus strand). Cytogenetic location: 12q12.
Variant type: single nucleotide variant.
Coding change: c.4092G>A on transcript NM_198578.4 (MANE Select); coding-DNA position 4092, G replaced by A.
Protein change: p.Met1364Ile; replaces methionine 1364 with isoleucine.
Molecular consequence: missense variant.
Genome position (GRCh38, 1-based): chr12:40,308,599, G>A. VCF-style: chr12-40308599-G-A. GRCh37 (hg19) VCF-style: chr12-40702401-G-A.
Other names: short protein forms M1364I.
Identifiers: ClinVar variation 2587268 (VCV002587268.2), dbSNP rs1226691333, ClinGen allele CA384417735.